The following is an entry in ClinVar:

NM_022114.4(PRDM16):c.3753G>A (p.Gln1251=)

Gene: PRDM16 (PR/SET domain 16; plus strand). Cytogenetic location: 1p36.32.
Variant type: single nucleotide variant.
Coding change: c.3753G>A on transcript NM_022114.4 (MANE Select); coding-DNA position 3753, G replaced by A.
Protein change: p.Gln1251=; no amino-acid change (glutamine 1251 retained).
Molecular consequence: synonymous variant. On other transcripts: splice acceptor variant (1).
Genome position (GRCh38, 1-based): chr1:3,433,733, G>A. VCF-style: chr1-3433733-G-A. GRCh37 (hg19) VCF-style: chr1-3350297-G-A.
Other names: c.3697-1G>A (NM_199454.3).
Identifiers: ClinVar variation 3666399 (VCV003666399.3).

ClinVar aggregate classification (germline): Conflicting classifications of pathogenicity. Review status: criteria provided, conflicting classifications (1 of 4 stars). 2 submissions from 2 submitters: Uncertain significance (1); Likely benign (1). Last evaluated 2025-01-16.

Conditions:
Left ventricular noncompaction 8 (LVNC8). Identifiers: Orphanet 154, Orphanet 54260, MedGen C3809288, MONDO:0014152, OMIM 615373.

gnomAD v4.1: 29 of 1,613,898 alleles (0.0018%); highest among the groups gnomAD compares: South Asian, 0.031%; no homozygotes.

Submissions (2):

Labcorp Genetics (formerly Invitae), Labcorp
Classification: Likely benign for Left ventricular noncompaction 8. Last evaluated: 2025-01-16. Review status: criteria provided, single submitter. Criteria: Invitae Variant Classification Sherloc (09022015). Collection method: clinical testing. Allele origin: germline.

Clinical Genomics Laboratory, Stanford Medicine
Classification: Uncertain significance. Last evaluated: 2023-05-08. Review status: criteria provided, single submitter. Criteria: ACMG Guidelines, 2015. Collection method: clinical testing. Allele origin: germline. Observed: 1 variant allele, 1 heterozygote.
Comment: The p.Gln1251= variant in the PRDM16 gene has not been previously reported in association with disease. This variant has been identified in 9/30602 South Asian chromosomes by the Genome Aggregation Database. Computational tools predict that this variant is neither deleterious nor benign; however, the accuracy of in silico algorithms is limited. These data were assessed using the ACMG/AMP variant interpretation guidelines. In summary, the significance of the p.Gln1251= variant is uncertain. Additional information is needed to resolve the significance of this variant. [ACMG evidence codes used: none]